The following is an entry in ClinVar:

NM_007294.4(BRCA1):c.3182_3183del (p.Ile1061fs)

Gene: BRCA1 (BRCA1 DNA repair associated; minus strand). Cytogenetic location: 17q21.31.
Variant type: Deletion.
Coding change: c.3182_3183del on transcript NM_007294.4 (MANE Select); coding-DNA positions 3182 to 3183, 2 bases deleted (TA; older notation c.3182_3183delTA).
Protein change: p.Ile1061fs; shifts the reading frame from isoleucine 1061.
Molecular consequence: frameshift variant. On other transcripts: intron variant (137).
Genome position (GRCh38, 1-based): chr17:43,092,348-43,092,349, TA deleted on the plus strand (TA on the coding strand, the reverse complement: BRCA1 is on the minus strand); deleting any 2 consecutive bases within chr17:43,092,348-43,092,350 gives the same sequence; the c. name uses the placement nearest the transcript's 3' end. VCF-style (leftmost placement, unchanged base first): chr17-43092347-CTA-C. GRCh37 (hg19) VCF-style: chr17-41244364-CTA-C.
Other names: c.2972_2973del, p.Ile991fs (NM_001407902.1, NM_001407904.1, NM_001407906.1 and 13 more transcripts); c.2969_2970del, p.Ile990fs (NM_001407915.1, NM_001407916.1, NM_001407917.1 and 9 more transcripts); c.2918_2919del, p.Ile973fs (NM_001407926.1, NM_001407927.1, NM_001407928.1 and 9 more transcripts); c.2915_2916del, p.Ile972fs (NM_001407930.1, NM_001407931.1, NM_001407932.1 and 2 more transcripts); c.3041_3042del, p.Ile1014fs (NM_001407944.1, NM_001407945.1, NM_007297.4 and 29 more transcripts); c.2849_2850del, p.Ile950fs (NM_001407946.1, NM_001407947.1, NM_001407948.1 and 6 more transcripts); c.2801_2802del, p.Ile934fs (NM_001407963.1, NM_001407959.1, NM_001407960.1); c.3038_3039del, p.Ile1013fs (NM_001407964.1, NM_001407748.1, NM_001407749.1 and 20 more transcripts); and 41 more; short protein forms I1013fs, I1014fs, I1019fs, I1020fs, I1034fs, I1035fs, I1058fs, I1060fs.
Identifiers: ClinVar variation 4813008 (VCV004813008.1).

ClinVar aggregate classification (germline): Pathogenic (1 of 4 stars; one submission).

Conditions:
Breast-ovarian cancer, familial, susceptibility to, 1 (BROVCA1). Also called: OVARIAN CANCER, SUSCEPTIBILITY TO; BRCA1 Hereditary Breast and Ovarian Cancer. Identifiers: Orphanet 145, MedGen C2676676, MONDO:0011450, OMIM 604370. Disease mechanism: loss of function.

Submission:

Myriad Genetics, Inc.
Classification: Pathogenic for Breast-ovarian cancer, familial, susceptibility to, 1. Last evaluated: 2025-12-08. Review status: criteria provided, single submitter. Criteria: Myriad Autosomal Dominant, Autosomal Recessive and X-Linked Classification Criteria (2023). Collection method: clinical testing. Allele origin: unknown.
Comment: This variant is considered pathogenic. This variant creates a frameshift predicted to result in premature protein truncation.